The following is an entry in ClinVar:

ClinVar aggregate classification (germline): Uncertain significance. Review status: criteria provided, multiple submitters, no conflicts (2 of 4 stars). 4 submissions from 4 submitters: Uncertain significance (4). Last evaluated 2025-04-23.

Conditions:
Hereditary cancer-predisposing syndrome. Also called: Hereditary Cancer Syndrome; Hereditary neoplastic syndrome; Neoplastic Syndromes, Hereditary; Tumor predisposition. Identifiers: Orphanet 140162, MedGen C0027672, MeSH D009386, MONDO:0015356.
Familial cancer of breast. Also called: Hereditary breast cancer; BREAST CANCER, FAMILIAL; hereditary breast carcinoma. Identifiers: Orphanet 227535, MedGen C0346153, MONDO:0016419, OMIM 114480. Disease mechanism: loss of function.

gnomAD v4.1: 12 of 1,614,052 alleles (0.00074%); highest among the groups gnomAD compares: South Asian, 0.0011%; no homozygotes.

Submissions (4):

Ambry Genetics
Classification: Uncertain significance for Hereditary cancer-predisposing syndrome. Last evaluated: 2025-04-23. Review status: criteria provided, single submitter. Criteria: Ambry Variant Classification Scheme 2023. Collection method: clinical testing. Allele origin: germline.
Comment: The p.R318L variant (also known as c.953G>T), located in coding exon 8 of the CHEK2 gene, results from a G to T substitution at nucleotide position 953. The arginine at codon 318 is replaced by leucine, an amino acid with dissimilar properties. This variant was reported as functional in a study assessing CHEK2-complementation through quantification of KAP1 phosphorylation and CHK2 autophosphorylation in human RPE1-CHEK2-knockout cells (Stolarova L et al. Clin Cancer Res, 2023 Aug;29:3037-3050). This amino acid position is not well conserved in available vertebrate species. In addition, this alteration is predicted to be tolerated by in silico analysis. Based on the available evidence, the clinical significance of this variant remains unclear.

Labcorp Genetics (formerly Invitae), Labcorp
Classification: Uncertain significance for Familial cancer of breast. Last evaluated: 2024-10-16. Review status: criteria provided, single submitter. Criteria: Invitae Variant Classification Sherloc (09022015). Collection method: clinical testing. Allele origin: germline.
Comment: This sequence change replaces arginine, which is basic and polar, with leucine, which is neutral and non-polar, at codon 318 of the CHEK2 protein (p.Arg318Leu). This variant is present in population databases (no rsID available, gnomAD 0.002%). This variant has not been reported in the literature in individuals affected with CHEK2-related conditions. ClinVar contains an entry for this variant (Variation ID: 216653). An algorithm developed to predict the effect of missense changes on protein structure and function (PolyPhen-2) suggests that this variant is likely to be tolerated. In summary, the available evidence is currently insufficient to determine the role of this variant in disease. Therefore, it has been classified as a Variant of Uncertain Significance.

Baylor Genetics
Classification: Uncertain significance for Familial cancer of breast. Last evaluated: 2023-12-19. Review status: criteria provided, single submitter. Criteria: ACMG Guidelines, 2015. Collection method: clinical testing. Allele origin: unknown.

Color Diagnostics, LLC DBA Color Health
Classification: Uncertain significance for Hereditary cancer-predisposing syndrome. Last evaluated: 2020-01-14. Review status: criteria provided, single submitter. Criteria: ACMG Guidelines, 2015. Collection method: clinical testing. Allele origin: germline.
Comment: This missense variant replaces arginine with leucine at codon 318 of the CHEK2 protein. Computational prediction suggests that this variant may not impact protein structure and function (internally defined REVEL score threshold <= 0.5, PMID: 27666373). Splice site prediction tools suggest that this variant may not impact RNA splicing. To our knowledge, functional studies have not been performed for this variant. This variant has not been reported in individuals affected with hereditary cancer in the literature. This variant has been identified in 2/251482 chromosomes in the general population by the Genome Aggregation Database (gnomAD). The available evidence is insufficient to determine the role of this variant in disease conclusively. Therefore, this variant is classified as a Variant of Uncertain Significance.

Literature cited by the submitters: PubMed 37449874 (cited by Ambry Genetics).

NM_007194.4(CHEK2):c.953G>T (p.Arg318Leu)

Gene: CHEK2 (checkpoint kinase 2; minus strand). Cytogenetic location: 22q12.1.
Variant type: single nucleotide variant.
Coding change: c.953G>T on transcript NM_007194.4 (MANE Select); coding-DNA position 953, G replaced by T.
Protein change: p.Arg318Leu; replaces arginine 318 with leucine.
Molecular consequence: missense variant.
Genome position (GRCh38, 1-based): chr22:28,699,893, C>A on the plus strand (G>T on the coding strand, the complement: CHEK2 is on the minus strand). VCF-style: chr22-28699893-C-A. GRCh37 (hg19) VCF-style: chr22-29095881-C-A.
Other names: c.1082G>T, p.Arg361Leu (NM_001005735.3); c.290G>T, p.Arg97Leu (NM_001257387.3); c.752G>T, p.Arg251Leu (NM_001349956.3); c.953G>T, p.Arg318Leu (NM_145862.3); short protein forms R318L, R251L, R361L, R97L.
Identifiers: ClinVar variation 216653 (VCV000216653.19), dbSNP rs143611747, ClinGen allele CA339414.